The following is an entry in ClinVar:

ClinVar aggregate classification (germline): Uncertain significance. Review status: criteria provided, multiple submitters, no conflicts (2 of 4 stars). 2 submissions from 2 submitters: Uncertain significance (2). Last evaluated 2022-06-13.

Conditions:
Hereditary cancer-predisposing syndrome. Also called: Hereditary neoplastic syndrome; Hereditary Cancer Syndrome; Tumor predisposition; Neoplastic Syndromes, Hereditary. Identifiers: Orphanet 140162, MedGen C0027672, MeSH D009386, MONDO:0015356.
Familial adenomatous polyposis 1 (FAP1). Also called: POLYPOSIS, ADENOMATOUS INTESTINAL; FAMILIAL ADENOMATOUS POLYPOSIS 1, ATTENUATED. Identifiers: MedGen C2713442, MONDO:0021056, OMIM 175100. Disease mechanism: loss of function.

Submissions (2):

Labcorp Genetics (formerly Invitae), Labcorp
Classification: Uncertain significance for Familial adenomatous polyposis 1. Last evaluated: 2022-06-13. Review status: criteria provided, single submitter. Criteria: Invitae Variant Classification Sherloc (09022015). Collection method: clinical testing. Allele origin: germline.
Comment: In summary, the available evidence is currently insufficient to determine the role of this variant in disease. Therefore, it has been classified as a Variant of Uncertain Significance. Algorithms developed to predict the effect of missense changes on protein structure and function are either unavailable or do not agree on the potential impact of this missense change (SIFT: "Deleterious"; PolyPhen-2: "Benign"; Align-GVGD: "Class C0"). This variant has not been reported in the literature in individuals affected with APC-related conditions. This variant is not present in population databases (gnomAD no frequency). This sequence change replaces arginine, which is basic and polar, with glycine, which is neutral and non-polar, at codon 924 of the APC protein (p.Arg924Gly).

Color Diagnostics, LLC DBA Color Health
Classification: Uncertain significance for Hereditary cancer-predisposing syndrome. Last evaluated: 2022-03-31. Review status: criteria provided, single submitter. Criteria: ACMG Guidelines, 2015. Collection method: clinical testing. Allele origin: germline.
Comment: This missense variant replaces arginine with glycine at codon 924 of the APC protein. Computational prediction suggests that this variant may not impact protein structure and function (internally defined REVEL score threshold <= 0.5, PMID: 27666373). To our knowledge, functional studies have not been reported for this variant. This variant has not been reported in individuals affected with hereditary cancer in the literature. This variant has not been identified in the general population by the Genome Aggregation Database (gnomAD). The available evidence is insufficient to determine the role of this variant in disease conclusively. Therefore, this variant is classified as a Variant of Uncertain Significance.

NM_000038.6(APC):c.2770A>G (p.Arg924Gly)

Gene: APC (APC regulator of Wnt signaling pathway; plus strand). Cytogenetic location: 5q22.2.
Variant type: single nucleotide variant.
Coding change: c.2770A>G on transcript NM_000038.6 (MANE Select); coding-DNA position 2770, A replaced by G.
Protein change: p.Arg924Gly; replaces arginine 924 with glycine.
Molecular consequence: missense variant.
Genome position (GRCh38, 1-based): chr5:112,838,364, A>G. VCF-style: chr5-112838364-A-G. GRCh37 (hg19) VCF-style: chr5-112174061-A-G.
Other names: c.2770A>G, p.Arg924Gly (NM_001127510.3, NM_001354895.2, NM_001407450.1); c.2716A>G, p.Arg906Gly (NM_001127511.3); c.2824A>G, p.Arg942Gly (NM_001354896.2, NM_001407447.1, NM_001407448.1 and 1 more transcripts); c.2800A>G, p.Arg934Gly (NM_001354897.2); c.2695A>G, p.Arg899Gly (NM_001354898.2); c.2686A>G, p.Arg896Gly (NM_001354899.2); c.2647A>G, p.Arg883Gly (NM_001354900.2); c.2593A>G, p.Arg865Gly (NM_001354901.2, NM_001407453.1); and 11 more; short protein forms R540G, R883G, R899G, R942G, R952G, R641G, R823G, R841G.
Identifiers: ClinVar variation 2004235 (VCV002004235.6), dbSNP rs2149877047, ClinGen allele CA16027373.